The following is an entry in ClinVar:

NM_024675.4(PALB2):c.617T>G (p.Leu206Arg)

Gene: PALB2 (partner and localizer of BRCA2; minus strand). Cytogenetic location: 16p12.2.
Variant type: single nucleotide variant.
Coding change: c.617T>G on transcript NM_024675.4 (MANE Select); coding-DNA position 617, T replaced by G.
Protein change: p.Leu206Arg; replaces leucine 206 with arginine.
Molecular consequence: missense variant. On other transcripts: 5 prime UTR variant (8), intron variant (3).
Genome position (GRCh38, 1-based): chr16:23,635,929, A>C on the plus strand (T>G on the coding strand, the complement: PALB2 is on the minus strand). VCF-style: chr16-23635929-A-C. GRCh37 (hg19) VCF-style: chr16-23647250-A-C.
Other names: c.557T>G, p.Leu186Arg (NM_001407296.1); c.617T>G, p.Leu206Arg (NM_001407297.1, NM_001407298.1, NM_001407299.1 and 3 more transcripts); c.-269T>G (NM_001407304.1, NM_001407305.1, NM_001407306.1 and 5 more transcripts); c.48+5181T>G (NM_001407314.1); c.-105+5181T>G (NM_001407313.1, NM_001407312.1); short protein forms L186R, L206R.
Identifiers: ClinVar variation 2747522 (VCV002747522.3), dbSNP rs2142439081, ClinGen allele CA395136622.

ClinVar aggregate classification (germline): Uncertain significance (1 of 4 stars; one submission).

Conditions:
Familial cancer of breast. Also called: hereditary breast carcinoma; Hereditary breast cancer; BREAST CANCER, FAMILIAL. Identifiers: Orphanet 227535, MedGen C0346153, MONDO:0016419, OMIM 114480. Disease mechanism: loss of function.

Submission:

Labcorp Genetics (formerly Invitae), Labcorp
Classification: Uncertain significance for Familial cancer of breast. Last evaluated: 2023-07-28. Review status: criteria provided, single submitter. Criteria: Invitae Variant Classification Sherloc (09022015). Collection method: clinical testing. Allele origin: germline.
Comment: In summary, the available evidence is currently insufficient to determine the role of this variant in disease. Therefore, it has been classified as a Variant of Uncertain Significance. An algorithm developed to predict the effect of missense changes on protein structure and function (PolyPhen-2) suggests that this variant is likely to be disruptive. This variant has not been reported in the literature in individuals affected with PALB2-related conditions. This variant is not present in population databases (gnomAD no frequency). This sequence change replaces leucine, which is neutral and non-polar, with arginine, which is basic and polar, at codon 206 of the PALB2 protein (p.Leu206Arg).